The following is an entry in ClinVar:

NM_004068.4(AP2M1):c.1094A>G (p.Gln365Arg)

Gene: AP2M1 (adaptor related protein complex 2 subunit mu 1; plus strand). Cytogenetic location: 3q27.1.
Variant type: single nucleotide variant.
Coding change: c.1094A>G on transcript NM_004068.4 (MANE Select); coding-DNA position 1094, A replaced by G.
Protein change: p.Gln365Arg; replaces glutamine 365 with arginine.
Molecular consequence: missense variant.
Genome position (GRCh38, 1-based): chr3:184,182,789, A>G. VCF-style: chr3-184182789-A-G. GRCh37 (hg19) VCF-style: chr3-183900577-A-G.
Other names: c.1088A>G, p.Gln363Arg (NM_001025205.2); c.1169A>G, p.Gln390Arg (NM_001311198.2); short protein forms Q363R, Q365R, Q390R.
Identifiers: ClinVar variation 3375446 (VCV003375446.1).
Genomic context (GRCh38, chr3:184,182,789, plus strand): 5'-GGGCTGCCCATTGTCCCTGTGTTCCCAGGATCAAGCGCATGGCAGGCATGAAGGAATCGC[A>G]GATCAGCGCAGAGATTGAGCTTCTGCCTACCAACGACAAGAAGAAATGGGCTCGACCCCC-3'
Protein context (NP_004059.2, residues 355-375): IKRMAGMKES[Gln365Arg]ISAEIELLPT

ClinVar aggregate classification (germline): Uncertain significance (1 of 4 stars; one submission).

Submission:

Women's Health and Genetics/Laboratory Corporation of America, LabCorp
Classification: Uncertain significance. Last evaluated: 2024-09-16. Review status: criteria provided, single submitter. Criteria: LabCorp Variant Classification Summary - May 2015. Collection method: clinical testing. Allele origin: germline.
Comment: Variant summary: AP2M1 c.1094A>G (p.Gln365Arg) results in a conservative amino acid change located in the Mu homology domain (IPR028565) of the encoded protein sequence. Four of five in-silico tools predict a benign effect of the variant on protein function. The variant was absent in 249460 control chromosomes. The available data on variant occurrences in the general population are insufficient to allow any conclusion about variant significance. To our knowledge, no occurrence of c.1094A>G in individuals affected with Intellectual Developmental Disorder 60 With Seizures and no experimental evidence demonstrating its impact on protein function have been reported. No submitters have cited clinical-significance assessments for this variant to ClinVar. Based on the evidence outlined above, the variant was classified as uncertain significance.